The following is an entry in ClinVar:

ClinVar aggregate classification (germline): Uncertain significance (1 of 4 stars; one submission).

Allele frequency attached by ClinVar (database versions not stated): gnomAD exomes 0.00001.
gnomAD v4.1: 3 of 1,613,358 alleles (0.00019%); no homozygotes.

Submission:

GeneDx
Classification: Uncertain significance. Last evaluated: 2022-03-16. Review status: criteria provided, single submitter. Criteria: GeneDx Variant Classification Process June 2021. Collection method: clinical testing. Allele origin: germline. Affected: yes.
Comment: Not observed at significant frequency in large population cohorts (gnomAD); In silico analysis supports that this missense variant does not alter protein structure/function; Has not been previously published as pathogenic or benign to our knowledge

NM_014915.3(ANKRD26):c.1067G>T (p.Gly356Val)

Gene: ANKRD26 (ankyrin repeat domain containing 26; minus strand). Cytogenetic location: 10p12.1.
Variant type: single nucleotide variant.
Coding change: c.1067G>T on transcript NM_014915.3 (MANE Select); coding-DNA position 1067, G replaced by T.
Protein change: p.Gly356Val; replaces glycine 356 with valine.
Molecular consequence: missense variant.
Genome position (GRCh38, 1-based): chr10:27,077,348, C>A on the plus strand (G>T on the coding strand, the complement: ANKRD26 is on the minus strand). VCF-style: chr10-27077348-C-A. GRCh37 (hg19) VCF-style: chr10-27366277-C-A.
Other names: c.1067G>T, p.Gly356Val (NM_001256053.2); short protein forms G356V.
Identifiers: ClinVar variation 1706192 (VCV001706192.2), dbSNP rs1184215775, ClinGen allele CA376361568.